The following is an entry in ClinVar:

ClinVar aggregate classification (germline): Uncertain significance (1 of 4 stars; one submission).

Submission:

GeneDx
Classification: Uncertain significance. Last evaluated: 2020-06-29. Review status: criteria provided, single submitter. Criteria: GeneDx Variant Classification Process June 2021. Collection method: clinical testing. Allele origin: germline. Affected: yes.
Comment: Not observed in large population cohorts (Lek et al., 2016); Has not been previously published as pathogenic or benign to our knowledge; In-silico analysis, which includes splice predictors and evolutionary conservation, is inconclusive as to whether the variant alters gene splicing. In the absence of RNA/functional studies, the actual effect of this sequence change is unknown.

NM_020937.4(FANCM):c.4317+4A>G

Gene: FANCM (FA complementation group M; plus strand). Cytogenetic location: 14q21.2.
Variant type: single nucleotide variant.
Coding change: c.4317+4A>G on transcript NM_020937.4 (MANE Select); 4 bases into the intron after coding-DNA position 4317, A replaced by G.
Molecular consequence: intron variant.
Genome position (GRCh38, 1-based): chr14:45,181,528, A>G. VCF-style: chr14-45181528-A-G. GRCh37 (hg19) VCF-style: chr14-45650731-A-G.
Other names: c.4239+4A>G (NM_001308133.2).
Identifiers: ClinVar variation 1312933 (VCV001312933.2), dbSNP rs2139270387, ClinGen allele CA2573053909.
Genomic context (GRCh38, chr14:45,181,528, plus strand): 5'-GAGATTTTCCGAAGAAAAGTTAAAAGAGCAAAAGGAAATGTTTTAAACTCTCCTGAGGTG[A>G]GTCATTCAGTAATCACAATAGTATAATCATATCAAAGGCTATTTTCCTTTTATACCTTGG-3'